The following is an entry in ClinVar:

NM_001252024.2(TRPM1):c.343C>G (p.Gln115Glu)

Gene: TRPM1 (transient receptor potential cation channel subfamily M member 1; minus strand). Cytogenetic location: 15q13.3.
Variant type: single nucleotide variant.
Coding change: c.343C>G on transcript NM_001252024.2 (MANE Select); coding-DNA position 343, C replaced by G.
Protein change: p.Gln115Glu; replaces glutamine 115 with glutamic acid.
Molecular consequence: missense variant.
Genome position (GRCh38, 1-based): chr15:31,068,029, G>C on the plus strand (C>G on the coding strand, the complement: TRPM1 is on the minus strand). VCF-style: chr15-31068029-G-C. GRCh37 (hg19) VCF-style: chr15-31360232-G-C.
Other names: c.394C>G, p.Gln132Glu (NM_001252020.2); c.277C>G, p.Gln93Glu (NM_002420.6); short protein forms Q93E, Q115E, Q132E.
Identifiers: ClinVar variation 1992688 (VCV001992688.4), dbSNP rs1205949006, ClinGen allele CA391535027.

ClinVar aggregate classification (germline): Uncertain significance (1 of 4 stars; one submission).

Submission:

Labcorp Genetics (formerly Invitae), Labcorp
Classification: Uncertain significance. Last evaluated: 2023-12-04. Review status: criteria provided, single submitter. Criteria: Invitae Variant Classification Sherloc (09022015). Collection method: clinical testing. Allele origin: germline.
Comment: This sequence change replaces glutamine, which is neutral and polar, with glutamic acid, which is acidic and polar, at codon 93 of the TRPM1 protein (p.Gln93Glu). This variant is not present in population databases (gnomAD no frequency). This variant has not been reported in the literature in individuals affected with TRPM1-related conditions. Advanced modeling of protein sequence and biophysical properties (such as structural, functional, and spatial information, amino acid conservation, physicochemical variation, residue mobility, and thermodynamic stability) performed at Invitae indicates that this missense variant is not expected to disrupt TRPM1 protein function with a negative predictive value of 95%. In summary, the available evidence is currently insufficient to determine the role of this variant in disease. Therefore, it has been classified as a Variant of Uncertain Significance.